The following is an entry in ClinVar:

NM_002474.3(MYH11):c.3703G>C (p.Asp1235His)

Gene: MYH11 (myosin heavy chain 11; minus strand). Cytogenetic location: 16p13.11.
Variant type: single nucleotide variant.
Coding change: c.3703G>C on transcript NM_002474.3 (MANE Select); coding-DNA position 3703, G replaced by C.
Protein change: p.Asp1235His; replaces aspartic acid 1235 with histidine.
Molecular consequence: missense variant.
Genome position (GRCh38, 1-based): chr16:15,727,003, C>G on the plus strand (G>C on the coding strand, the complement: MYH11 is on the minus strand). VCF-style: chr16-15727003-C-G. GRCh37 (hg19) VCF-style: chr16-15820860-C-G.
Other names: c.3724G>C, p.Asp1242His (NM_001040113.2, NM_001040114.2); c.3703G>C, p.Asp1235His (NM_022844.3); short protein forms D1235H, D1242H.
Identifiers: ClinVar variation 3915414 (VCV003915414.1).

ClinVar aggregate classification (germline): Uncertain significance (1 of 4 stars; one submission).

Conditions:
Familial thoracic aortic aneurysm and aortic dissection (TAAD). Also called: Thoracic aortic aneurysms and dissections. Identifiers: Orphanet 91387, MedGen C4707243, MONDO:0019625.

Submission:

Ambry Genetics
Classification: Uncertain significance for Familial thoracic aortic aneurysm and aortic dissection. Last evaluated: 2025-04-13. Review status: criteria provided, single submitter. Criteria: Ambry Variant Classification Scheme 2023. Collection method: clinical testing. Allele origin: germline.
Comment: The p.D1235H variant (also known as c.3703G>C), located in coding exon 27 of the MYH11 gene, results from a G to C substitution at nucleotide position 3703. The aspartic acid at codon 1235 is replaced by histidine, an amino acid with similar properties. This amino acid position is conserved. In addition, the in silico prediction for this alteration is inconclusive. Based on the available evidence, the clinical significance of this variant remains unclear.